The following is an entry in ClinVar:

NM_001367561.1(DOCK7):c.6139G>C (p.Glu2047Gln)

Gene: DOCK7 (dedicator of cytokinesis 7; minus strand). Cytogenetic location: 1p31.3.
Variant type: single nucleotide variant.
Coding change: c.6139G>C on transcript NM_001367561.1 (MANE Select); coding-DNA position 6139, G replaced by C.
Protein change: p.Glu2047Gln; replaces glutamic acid 2047 with glutamine.
Molecular consequence: missense variant.
Genome position (GRCh38, 1-based): chr1:62,474,055, C>G on the plus strand (G>C on the coding strand, the complement: DOCK7 is on the minus strand). VCF-style: chr1-62474055-C-G. GRCh37 (hg19) VCF-style: chr1-62939726-C-G.
Other names: c.6106G>C, p.Glu2036Gln (NM_001271999.2); c.6019G>C, p.Glu2007Gln (NM_001272000.2); c.6013G>C, p.Glu2005Gln (NM_001272001.2); c.6112G>C, p.Glu2038Gln (NM_001330614.2); c.6046G>C, p.Glu2016Gln (NM_033407.4); c.6046G>C (NM_033407.2); short protein forms E2005Q, E2007Q, E2016Q, E2038Q, E2036Q, E2047Q.
Identifiers: ClinVar variation 1961671 (VCV001961671.3), dbSNP rs781263939, ClinGen allele CA885280.

ClinVar aggregate classification (germline): Uncertain significance. Review status: criteria provided, multiple submitters, no conflicts (2 of 4 stars). 2 submissions from 2 submitters: Uncertain significance (2). Last evaluated 2024-02-27.

Conditions:
Inborn genetic diseases. Identifiers: MedGen C0950123, MeSH D030342.
Developmental and epileptic encephalopathy, 23 (DEE23). Also called: Epileptic encephalopathy, early infantile, 23. Identifiers: Orphanet 411986, MedGen C4014492, MONDO:0014371, OMIM 615859.

Allele frequency attached by ClinVar (database versions not stated): ExAC 0.00001; gnomAD 0.00001; gnomAD exomes 0.00001; TOPMed 0.00002.
gnomAD v4.1: 7 of 1,613,784 alleles (0.00043%); highest among the groups gnomAD compares: Admixed American, 0.01%; no homozygotes.

Submissions (2):

Ambry Genetics
Classification: Uncertain significance for Inborn genetic diseases. Last evaluated: 2024-02-27. Review status: criteria provided, single submitter. Criteria: Ambry Variant Classification Scheme 2023. Collection method: clinical testing. Allele origin: germline.

Labcorp Genetics (formerly Invitae), Labcorp
Classification: Uncertain significance for Developmental and epileptic encephalopathy, 23. Last evaluated: 2022-08-12. Review status: criteria provided, single submitter. Criteria: Invitae Variant Classification Sherloc (09022015). Collection method: clinical testing. Allele origin: germline.
Comment: This sequence change replaces glutamic acid, which is acidic and polar, with glutamine, which is neutral and polar, at codon 2036 of the DOCK7 protein (p.Glu2036Gln). This variant is present in population databases (rs781263939, gnomAD 0.009%). This variant has not been reported in the literature in individuals affected with DOCK7-related conditions. Algorithms developed to predict the effect of missense changes on protein structure and function (SIFT, PolyPhen-2, Align-GVGD) all suggest that this variant is likely to be tolerated. In summary, the available evidence is currently insufficient to determine the role of this variant in disease. Therefore, it has been classified as a Variant of Uncertain Significance.